The following is an entry in ClinVar:

ClinVar aggregate classification (germline): Likely benign (1 of 4 stars; one submission).

Submission:

CeGaT Center for Human Genetics Tuebingen
Classification: Likely benign. Last evaluated: 2026-06-01. Review status: criteria provided, single submitter. Criteria: CeGaT Center For Human Genetics Tuebingen Variant Classification Criteria Version 2. Collection method: clinical testing. Allele origin: germline. Affected: yes. Observed: 1 variant allele.
Comment: FBN1: PM2:Supporting, BP4, BP7

NM_000138.5(FBN1):c.3684A>G (p.Ala1228=)

Gene: FBN1 (fibrillin 1; minus strand). Cytogenetic location: 15q21.1.
Variant type: single nucleotide variant.
Coding change: c.3684A>G on transcript NM_000138.5 (MANE Select); coding-DNA position 3684, A replaced by G.
Protein change: p.Ala1228=; no amino-acid change (alanine 1228 retained).
Molecular consequence: synonymous variant.
Genome position (GRCh38, 1-based): chr15:48,485,402, T>C on the plus strand (A>G on the coding strand, the complement: FBN1 is on the minus strand). VCF-style: chr15-48485402-T-C. GRCh37 (hg19) VCF-style: chr15-48777599-T-C.
Other names: c.3684A>G, p.Ala1228= (NM_001406716.1).
Identifiers: ClinVar variation 4875171 (VCV004875171.2).